The following is an entry in ClinVar:

ClinVar aggregate classification (germline): Uncertain significance (1 of 4 stars; one submission).

Conditions:
Epidermodysplasia verruciformis. Identifiers: Orphanet 302, MedGen C0014522, MONDO:0009176.

gnomAD v4.1: 1 of 1,582,882 alleles (0.000063%); highest among the groups gnomAD compares: East Asian, 0.0023%; no homozygotes.

Submission:

Labcorp Genetics (formerly Invitae), Labcorp
Classification: Uncertain significance for Epidermodysplasia verruciformis. Last evaluated: 2022-05-06. Review status: criteria provided, single submitter. Criteria: Invitae Variant Classification Sherloc (09022015). Collection method: clinical testing. Allele origin: germline.
Comment: This variant has not been reported in the literature in individuals affected with TMC8-related conditions. In summary, the available evidence is currently insufficient to determine the role of this variant in disease. Therefore, it has been classified as a Variant of Uncertain Significance. Algorithms developed to predict the effect of missense changes on protein structure and function are either unavailable or do not agree on the potential impact of this missense change (SIFT: "Tolerated"; PolyPhen-2: "Probably Damaging"; Align-GVGD: "Class C0"). This variant is not present in population databases (gnomAD no frequency). This sequence change replaces proline, which is neutral and non-polar, with serine, which is neutral and polar, at codon 40 of the TMC8 protein (p.Pro40Ser).

NM_152468.5(TMC8):c.118C>T (p.Pro40Ser)

Genes: TMC6 (transmembrane channel like 6; minus strand), TMC8 (transmembrane channel like 8; plus strand), LOC130061792 (ATAC-STARR-seq lymphoblastoid silent region 9043; plus strand). Cytogenetic location: 17q25.3.
Variant type: single nucleotide variant.
Coding change: c.118C>T on transcript NM_152468.5 (MANE Select); coding-DNA position 118, C replaced by T.
Protein change: p.Pro40Ser; replaces proline 40 with serine.
Molecular consequence: missense variant. On other transcripts: intron variant (1).
Genome position (GRCh38, 1-based): chr17:78,131,706, C>T. VCF-style: chr17-78131706-C-T. GRCh37 (hg19) VCF-style: chr17-76127787-C-T.
Other names: c.-75+635G>A (NM_007267.7); short protein forms P40S.
Identifiers: ClinVar variation 2134624 (VCV002134624.4), dbSNP rs374017520, ClinGen allele CA401239201.